The following is an entry in ClinVar:

NM_153026.3(PRICKLE1):c.954C>G (p.Ser318=)

Genes: PRICKLE1 (prickle planar cell polarity protein 1; minus strand), LOC126861509 (BRD4-independent group 4 enhancer GRCh37_chr12:42858567-42859766; plus strand). Cytogenetic location: 12q12.
Variant type: single nucleotide variant.
Coding change: c.954C>G on transcript NM_153026.3 (MANE Select); coding-DNA position 954, C replaced by G.
Protein change: p.Ser318=; no amino-acid change (serine 318 retained).
Molecular consequence: synonymous variant.
Genome position (GRCh38, 1-based): chr12:42,465,080, G>C on the plus strand (C>G on the coding strand, the complement: PRICKLE1 is on the minus strand). VCF-style: chr12-42465080-G-C. GRCh37 (hg19) VCF-style: chr12-42858882-G-C.
Other names: p.S318S:TCC>TCG; c.954C>G, p.Ser318= (NM_001144881.2, NM_001144882.2, NM_001144883.2).
Identifiers: ClinVar variation 138806 (VCV000138806.24), dbSNP rs139421676, ClinGen allele CA203528.

ClinVar aggregate classification (germline): Benign/Likely benign. Review status: criteria provided, multiple submitters, no conflicts (2 of 4 stars). 9 submissions from 9 submitters: Benign (4); Likely benign (3). 2 of the submissions do not count toward it. Last evaluated 2026-08-01.

Conditions:
Epilepsy, progressive myoclonic, 1B. Also called: PME. Identifiers: Orphanet 308, MedGen C2676254, MONDO:0012904, OMIM 612437.

Allele frequency attached by ClinVar (database versions not stated): ESP Exome Variant Server 0.00261; TOPMed 0.00264; 1000 Genomes Project 0.00359; 1000 Genomes Project 30x 0.00359.
gnomAD v4.1: 759 of 1,567,294 alleles (0.048%); highest among the groups gnomAD compares: African/African-American, 0.93%; 4 homozygotes.

Submissions (9):

CeGaT Center for Human Genetics Tuebingen
Classification: Likely benign. Last evaluated: 2026-08-01. Review status: criteria provided, single submitter. Criteria: CeGaT Center For Human Genetics Tuebingen Variant Classification Criteria Version 2. Collection method: clinical testing. Allele origin: germline. Affected: yes. Observed: 1 variant allele.
Comment: PRICKLE1: BP4, BP7

Labcorp Genetics (formerly Invitae), Labcorp
Classification: Benign for Epilepsy, progressive myoclonic, 1B. Last evaluated: 2026-01-26. Review status: criteria provided, single submitter. Criteria: Invitae Variant Classification Sherloc (09022015). Collection method: clinical testing. Allele origin: germline.

Blueprint Genetics
Classification: Likely benign. Last evaluated: 2024-11-13. Review status: criteria provided, single submitter. Criteria: ACMG Guidelines, 2015. Collection method: clinical testing. Allele origin: germline.

Ambry Genetics
Classification: Likely benign. Last evaluated: 2016-12-28. Review status: criteria provided, single submitter. Criteria: Ambry Variant Classification Scheme 2023. Collection method: clinical testing. Allele origin: germline.

Athena Diagnostics
Classification: Benign. Last evaluated: 2016-11-29. Review status: criteria provided, single submitter. Criteria: Athena Diagnostics Criteria. Collection method: clinical testing. Allele origin: germline.

Eurofins Ntd Llc (ga)
Classification: Benign. Last evaluated: 2015-03-20. Review status: criteria provided, single submitter. Criteria: EGL Classification Definitions 2015. Collection method: clinical testing. Allele origin: germline. Observed: 1 variant allele, 1 heterozygote.

GeneDx
Classification: Benign. Last evaluated: 2013-10-28. Review status: criteria provided, single submitter. Criteria: GeneDx Variant Classification (06012015). Collection method: clinical testing. Allele origin: germline. Affected: yes.
Comment: This variant is considered likely benign or benign based on one or more of the following criteria: it is a conservative change, it occurs at a poorly conserved position in the protein, it is predicted to be benign by multiple in silico algorithms, and/or has population frequency not consistent with disease.

Clinical Genetics DNA and cytogenetics Diagnostics Lab, Erasmus MC, Erasmus Medical Center
Classification: Likely benign. Review status: no assertion criteria provided. Collection method: clinical testing. Allele origin: germline. Affected: yes. Study: VKGL Data-share Consensus. Not counted in ClinVar's aggregate classification.

Genome Diagnostics Laboratory, University Medical Center Utrecht
Classification: Likely benign. Review status: no assertion criteria provided. Collection method: clinical testing. Allele origin: germline. Affected: yes. Study: VKGL Data-share Consensus. Not counted in ClinVar's aggregate classification.